The following is an entry in ClinVar:

NM_001374736.1(DST):c.2350C>G (p.Pro784Ala)

Gene: DST (dystonin; minus strand). Cytogenetic location: 6p12.1.
Variant type: single nucleotide variant.
Coding change: c.2350C>G on transcript NM_001374736.1 (MANE Select); coding-DNA position 2350, C replaced by G.
Protein change: p.Pro784Ala; replaces proline 784 with alanine.
Molecular consequence: missense variant.
Genome position (GRCh38, 1-based): chr6:56,640,283, G>C on the plus strand (C>G on the coding strand, the complement: DST is on the minus strand). VCF-style: chr6-56640283-G-C. GRCh37 (hg19) VCF-style: chr6-56505081-G-C.
Other names: p.Pro247Ala; c.2251C>G, p.Pro751Ala (NM_001144769.5); c.1837C>G, p.Pro613Ala (NM_001144770.2); c.2350C>G, p.Pro784Ala (NM_001374722.1); c.1717C>G, p.Pro573Ala (NM_001374729.1, NM_001374730.1, NM_001386100.1 and 1 more transcripts); c.2377C>G, p.Pro793Ala (NM_001374734.1); c.739C>G, p.Pro247Ala (NM_001723.7, NM_015548.5); short protein forms P247A, P751A, P573A, P613A, P784A, P793A.
Identifiers: ClinVar variation 357616 (VCV000357616.46), dbSNP rs151271595, ClinGen allele CA3871447.

ClinVar aggregate classification (germline): Benign/Likely benign. Review status: criteria provided, multiple submitters, no conflicts (2 of 4 stars). 9 submissions from 9 submitters: Benign (3); Likely benign (1). 5 of the submissions do not count toward it. Last evaluated 2026-09-01.

Conditions:
Inborn genetic diseases. Identifiers: MedGen C0950123, MeSH D030342.
Hereditary sensory and autonomic neuropathy type 6. Also called: HSAN VI; Neuropathy, hereditary sensory and autonomic, type VI. Identifiers: Orphanet 314381, MedGen C3539003, MONDO:0013839, OMIM 614653.
DST-related disorder. Also called: DST-related disorders; DST-related condition.
Epidermolysis bullosa simplex 3, localized or generalized intermediate, with BP230 deficiency (EBS3). Also called: Epidermolysis bullosa simplex, autosomal recessive 2; Epidermolysis bullosa simplex due to BP230 deficiency. Identifiers: Orphanet 412181, MedGen C3809470, MONDO:0014180, OMIM 615425.

Allele frequency attached by ClinVar (database versions not stated): gnomAD 0.00152 and 0.00180; ESP Exome Variant Server 0.00177; TOPMed 0.00188; 1000 Genomes Project 30x 0.00281; 1000 Genomes Project 0.00300; gnomAD exomes 0.00307; ExAC 0.00330.
gnomAD v4.1: 4,298 of 1,614,108 alleles (0.27%); highest among the groups gnomAD compares: South Asian, 1%; 21 homozygotes.

Submissions (9):

CeGaT Center for Human Genetics Tuebingen
Classification: Benign. Last evaluated: 2026-09-01. Review status: criteria provided, single submitter. Criteria: CeGaT Center For Human Genetics Tuebingen Variant Classification Criteria Version 2. Collection method: clinical testing. Allele origin: germline. Affected: yes. Observed: 11 variant alleles.
Comment: DST: BP4, BS1, BS2

Labcorp Genetics (formerly Invitae), Labcorp
Classification: Benign for Epidermolysis bullosa simplex 3, localized or generalized intermediate, with BP230 deficiency; Hereditary sensory and autonomic neuropathy type 6. Last evaluated: 2026-01-26. Review status: criteria provided, single submitter. Criteria: Invitae Variant Classification Sherloc (09022015). Collection method: clinical testing. Allele origin: germline.

Mayo Clinic Laboratories, Mayo Clinic
Classification: Benign. Last evaluated: 2023-05-02. Review status: criteria provided, single submitter. Criteria: ACMG Guidelines, 2015. Collection method: clinical testing. Allele origin: germline. Observed: 28 variant alleles.

Ambry Genetics
Classification: Likely benign for Inborn genetic diseases. Last evaluated: 2019-08-28. Review status: criteria provided, single submitter. Criteria: Ambry Variant Classification Scheme 2023. Collection method: clinical testing. Allele origin: germline.

PreventionGenetics, part of Exact Sciences
Classification: Benign for DST-related condition. Last evaluated: 2019-11-18. Review status: no assertion criteria provided. Collection method: clinical testing. Allele origin: germline. Not counted in ClinVar's aggregate classification.
Comment: This variant is classified as benign based on ACMG/AMP sequence variant interpretation guidelines (Richards et al. 2015 PMID: 25741868, with internal and published modifications).

Clinical Genetics DNA and cytogenetics Diagnostics Lab, Erasmus MC, Erasmus Medical Center
Classification: Likely benign. Review status: no assertion criteria provided. Collection method: clinical testing. Allele origin: germline. Affected: yes. Study: VKGL Data-share Consensus. Not counted in ClinVar's aggregate classification.

Clinical Genetics, Academic Medical Center
Classification: Likely benign. Review status: no assertion criteria provided. Collection method: clinical testing. Allele origin: germline. Affected: yes. Study: VKGL Data-share Consensus. Not counted in ClinVar's aggregate classification.

Diagnostic Laboratory, Department of Genetics, University Medical Center Groningen
Classification: Likely benign for Hereditary sensory and autonomic neuropathy type 6. Review status: no assertion criteria provided. Collection method: clinical testing. Allele origin: germline. Affected: yes. Study: VKGL Data-share Consensus. Not counted in ClinVar's aggregate classification.

Genome Diagnostics Laboratory, University Medical Center Utrecht
Classification: Likely benign. Review status: no assertion criteria provided. Collection method: clinical testing. Allele origin: germline. Affected: yes. Study: VKGL Data-share Consensus. Not counted in ClinVar's aggregate classification.